The following is an entry in ClinVar:

ClinVar aggregate classification (germline): Uncertain significance. Review status: criteria provided, multiple submitters, no conflicts (2 of 4 stars). 2 submissions from 2 submitters: Uncertain significance (2). Last evaluated 2026-01-02.

Conditions:
Inborn genetic diseases. Identifiers: MedGen C0950123, MeSH D030342.
Fibrous dysplasia of jaw (CRBM). Also called: Cherubism. Identifiers: Orphanet 184, MedGen C0008029, MONDO:0007315, OMIM 118400.

Allele frequency attached by ClinVar (database versions not stated): TOPMed 0.00001; ExAC 0.00001; gnomAD exomes 0.00001.

Submissions (2):

Labcorp Genetics (formerly Invitae), Labcorp
Classification: Uncertain significance for Fibrous dysplasia of jaw. Last evaluated: 2026-01-02. Review status: criteria provided, single submitter. Criteria: Invitae Variant Classification Sherloc (09022015). Collection method: clinical testing. Allele origin: germline.
Comment: This sequence change replaces arginine, which is basic and polar, with cysteine, which is neutral and slightly polar, at codon 106 of the SH3BP2 protein (p.Arg106Cys). This variant is present in population databases (rs760277294, gnomAD 0.006%). This variant has not been reported in the literature in individuals affected with SH3BP2-related conditions. ClinVar contains an entry for this variant (Variation ID: 939978). Invitae Evidence Modeling of protein sequence and biophysical properties (such as structural, functional, and spatial information, amino acid conservation, physicochemical variation, residue mobility, and thermodynamic stability) has been performed for this missense variant. However, the output from this modeling did not meet the statistical confidence thresholds required to predict the impact of this variant on SH3BP2 protein function. In summary, the available evidence is currently insufficient to determine the role of this variant in disease. Therefore, it has been classified as a Variant of Uncertain Significance.

Ambry Genetics
Classification: Uncertain significance for Inborn genetic diseases. Last evaluated: 2024-09-30. Review status: criteria provided, single submitter. Criteria: Ambry Variant Classification Scheme 2023. Collection method: clinical testing. Allele origin: germline.

NM_001122681.2(SH3BP2):c.316C>T (p.Arg106Cys)

Gene: SH3BP2 (SH3 domain binding protein 2; plus strand). Cytogenetic location: 4p16.3.
Variant type: single nucleotide variant.
Coding change: c.316C>T on transcript NM_001122681.2 (MANE Select); coding-DNA position 316, C replaced by T.
Protein change: p.Arg106Cys; replaces arginine 106 with cysteine.
Molecular consequence: missense variant.
Genome position (GRCh38, 1-based): chr4:2,824,689, C>T. VCF-style: chr4-2824689-C-T. GRCh37 (hg19) VCF-style: chr4-2826416-C-T.
Other names: c.400C>T, p.Arg134Cys (NM_001145855.2); c.487C>T, p.Arg163Cys (NM_001145856.2); c.316C>T, p.Arg106Cys (NM_003023.4); short protein forms R134C, R106C, R163C.
Identifiers: ClinVar variation 939978 (VCV000939978.10), dbSNP rs760277294, ClinGen allele CA2819002.